The following is an entry in ClinVar:

ClinVar aggregate classification (germline): Uncertain significance (1 of 4 stars; one submission).

Conditions:
Bethlem myopathy 1A. Also called: Bethlem myopathy 1; Bethlem Muscular Dystrophy; MYOPATHY, BENIGN CONGENITAL, WITH CONTRACTURES. Identifiers: Orphanet 610, MedGen CN029274, MONDO:0024530, OMIM 158810.

Submission:

Labcorp Genetics (formerly Invitae), Labcorp
Classification: Uncertain significance for Bethlem myopathy 1A. Last evaluated: 2023-09-07. Review status: criteria provided, single submitter. Criteria: Invitae Variant Classification Sherloc (09022015). Collection method: clinical testing. Allele origin: germline.
Comment: This sequence change replaces lysine, which is basic and polar, with asparagine, which is neutral and polar, at codon 462 of the COL6A2 protein (p.Lys462Asn). This variant is not present in population databases (gnomAD no frequency). This variant has not been reported in the literature in individuals affected with COL6A2-related conditions. Advanced modeling of protein sequence and biophysical properties (such as structural, functional, and spatial information, amino acid conservation, physicochemical variation, residue mobility, and thermodynamic stability) performed at Invitae indicates that this missense variant is not expected to disrupt COL6A2 protein function. In summary, the available evidence is currently insufficient to determine the role of this variant in disease. Therefore, it has been classified as a Variant of Uncertain Significance.

NM_001849.4(COL6A2):c.1386A>C (p.Lys462Asn)

Gene: COL6A2 (collagen type VI alpha 2 chain; plus strand). Cytogenetic location: 21q22.3.
Variant type: single nucleotide variant.
Coding change: c.1386A>C on transcript NM_001849.4 (MANE Select); coding-DNA position 1386, A replaced by C.
Protein change: p.Lys462Asn; replaces lysine 462 with asparagine.
Molecular consequence: missense variant.
Genome position (GRCh38, 1-based): chr21:46,120,568, A>C. VCF-style: chr21-46120568-A-C. GRCh37 (hg19) VCF-style: chr21-47540482-A-C.
Other names: c.1386A>C, p.Lys462Asn (NM_058174.3, NM_058175.3); short protein forms K462N.
Identifiers: ClinVar variation 2747959 (VCV002747959.3), dbSNP rs1400011007, ClinGen allele CA410530836.